The following is an entry in ClinVar:

ClinVar aggregate classification (germline): Uncertain significance (1 of 4 stars; one submission).

Allele frequency attached by ClinVar (database versions not stated): gnomAD 0.00001; TOPMed 0.00001; ExAC 0.00003; gnomAD exomes 0.00003.
gnomAD v4.1: 45 of 1,612,816 alleles (0.0028%); highest among the groups gnomAD compares: Admixed American, 0.005%; no homozygotes.

Submission:

Labcorp Genetics (formerly Invitae), Labcorp
Classification: Uncertain significance. Last evaluated: 2025-10-29. Review status: criteria provided, single submitter. Criteria: Invitae Variant Classification Sherloc (09022015). Collection method: clinical testing. Allele origin: germline.
Comment: This sequence change replaces arginine, which is basic and polar, with glutamine, which is neutral and polar, at codon 1491 of the C3 protein (p.Arg1491Gln). This variant is present in population databases (rs775654009, gnomAD 0.006%). This variant has not been reported in the literature in individuals affected with C3-related conditions. ClinVar contains an entry for this variant (Variation ID: 2160017). Invitae Evidence Modeling of protein sequence and biophysical properties (such as structural, functional, and spatial information, amino acid conservation, physicochemical variation, residue mobility, and thermodynamic stability) indicates that this missense variant is not expected to disrupt C3 protein function with a negative predictive value of 80%. In summary, the available evidence is currently insufficient to determine the role of this variant in disease. Therefore, it has been classified as a Variant of Uncertain Significance.

NM_000064.4(C3):c.4472G>A (p.Arg1491Gln)

Gene: C3 (complement C3; minus strand). Cytogenetic location: 19p13.3.
Variant type: single nucleotide variant.
Coding change: c.4472G>A on transcript NM_000064.4 (MANE Select); coding-DNA position 4472, G replaced by A.
Protein change: p.Arg1491Gln; replaces arginine 1491 with glutamine.
Molecular consequence: missense variant.
Genome position (GRCh38, 1-based): chr19:6,679,481, C>T on the plus strand (G>A on the coding strand, the complement: C3 is on the minus strand). VCF-style: chr19-6679481-C-T. GRCh37 (hg19) VCF-style: chr19-6679492-C-T.
Other names: short protein forms R1491Q.
Identifiers: ClinVar variation 2160017 (VCV002160017.4), dbSNP rs775654009, ClinGen allele CA9128376.
Genomic context (GRCh38, chr19:6,679,481, plus strand): 5'-CACAGTTCATCACGGCAGAGCTTGTTCAGCTTTCCATCCTCCTTTTCCGGATGGTAGAAC[C>T]GGGTACAGCTTTCCTCTGCGGGCAGATGTGATGTGAAGATGAGAGGATAAGGGCCTCCCT-3'
Protein context (NP_000055.2, residues 1481-1501): AYYNLEESCT[Arg1491Gln]FYHPEKEDGK